The following is an entry in ClinVar:

ClinVar aggregate classification (germline): Uncertain significance (1 of 4 stars; one submission).

Allele frequency attached by ClinVar (database versions not stated): TOPMed below 0.00001.
gnomAD v4.1: 3 of 1,613,882 alleles (0.00019%); highest among the groups gnomAD compares: Non-Finnish European, 0.00017%; no homozygotes.

Submission:

CeGaT Center for Human Genetics Tuebingen
Classification: Uncertain significance. Last evaluated: 2022-05-01. Review status: criteria provided, single submitter. Criteria: CeGaT Center For Human Genetics Tuebingen Variant Classification Criteria Version 2. Collection method: clinical testing. Allele origin: germline. Affected: yes. Observed: 1 variant allele.
Comment: SETD5: PM2

NM_001080517.3(SETD5):c.2618C>T (p.Ser873Leu)

Gene: SETD5 (SET domain containing 5; plus strand). Cytogenetic location: 3p25.3.
Variant type: single nucleotide variant.
Coding change: c.2618C>T on transcript NM_001080517.3 (MANE Select); coding-DNA position 2618, C replaced by T.
Protein change: p.Ser873Leu; replaces serine 873 with leucine.
Molecular consequence: missense variant.
Genome position (GRCh38, 1-based): chr3:9,464,566, C>T. VCF-style: chr3-9464566-C-T. GRCh37 (hg19) VCF-style: chr3-9506250-C-T.
Other names: c.2324C>T, p.Ser775Leu (NM_001292043.2, NM_001349451.2); short protein forms S775L, S873L.
Identifiers: ClinVar variation 2653477 (VCV002653477.24), dbSNP rs754334071, ClinGen allele CA69977980.